The following is an entry in ClinVar:

NM_000181.4(GUSB):c.1771G>A (p.Asp591Asn)

Gene: GUSB (glucuronidase beta; minus strand). Cytogenetic location: 7q11.21.
Variant type: single nucleotide variant.
Coding change: c.1771G>A on transcript NM_000181.4 (MANE Select); coding-DNA position 1771, G replaced by A.
Protein change: p.Asp591Asn; replaces aspartic acid 591 with asparagine.
Molecular consequence: missense variant. On other transcripts: non-coding transcript variant (1).
Genome position (GRCh38, 1-based): chr7:65,964,341, C>T on the plus strand (G>A on the coding strand, the complement: GUSB is on the minus strand). VCF-style: chr7-65964341-C-T. GRCh37 (hg19) VCF-style: chr7-65429328-C-T.
Other names: c.1333G>A, p.Asp445Asn (NM_001284290.2); c.1201G>A, p.Asp401Asn (NM_001293104.2); c.1114G>A, p.Asp372Asn (NM_001293105.2); short protein forms D372N, D401N, D445N, D591N.
Identifiers: ClinVar variation 3065727 (VCV003065727.2), dbSNP rs1251087003, ClinGen allele CA367638593.

ClinVar aggregate classification (germline): Uncertain significance. Review status: criteria provided, multiple submitters, no conflicts (2 of 4 stars). 2 submissions from 2 submitters: Uncertain significance (2). Last evaluated 2024-03-29.

Conditions:
Mucopolysaccharidosis type 7 (MPS7). Also called: MPS VII; SLY SYNDROME; GUSB DEFICIENCY; BETA-GLUCURONIDASE DEFICIENCY. Identifiers: Orphanet 584, MedGen C0085132, MONDO:0009662, OMIM 253220.

Allele frequency attached by ClinVar (database versions not stated): gnomAD 0.00001; TOPMed 0.00001.
gnomAD v4.1: 2 of 1,611,754 alleles (0.00012%); highest among the groups gnomAD compares: African/African-American, 0.0013%; no homozygotes.

Submissions (2):

Genomic Medicine Center of Excellence, King Faisal Specialist Hospital and Research Centre
Classification: Uncertain significance for Mucopolysaccharidosis type 7. Last evaluated: 2024-03-29. Review status: criteria provided, single submitter. Criteria: ACMG Guidelines, 2015. Collection method: clinical testing. Allele origin: germline.

MVZ Medizinische Genetik Mainz
Classification: Uncertain significance for Mucopolysaccharidosis type 7. Last evaluated: 2023-01-17. Review status: criteria provided, single submitter. Criteria: UK Practice Guidelines For Variant Classification V4 01 2020. Collection method: clinical testing. Allele origin: germline. Inheritance: Autosomal recessive inheritance. Affected: yes. Observed: 2 variant alleles.
Comment: ACMG Criteria: PM2_SUP, PM3_SUP, PP3, PP4; Compound Heterozygote